The following is an entry in ClinVar:

ClinVar aggregate classification (germline): Pathogenic (1 of 4 stars; one submission).

Submission:

Labcorp Genetics (formerly Invitae), Labcorp
Classification: Pathogenic. Last evaluated: 2023-03-07. Review status: criteria provided, single submitter. Criteria: Invitae Variant Classification Sherloc (09022015). Collection method: clinical testing. Allele origin: germline.
Comment: For these reasons, this variant has been classified as Pathogenic. This variant has not been reported in the literature in individuals affected with FRAS1-related conditions. This variant is not present in population databases (gnomAD no frequency). This sequence change creates a premature translational stop signal (p.Lys1465*) in the FRAS1 gene. It is expected to result in an absent or disrupted protein product. Loss-of-function variants in FRAS1 are known to be pathogenic (PMID: 12766769, 18671281).

Literature cited by the submitters: PubMed 12766769; PubMed 18671281.

NM_025074.7(FRAS1):c.4393A>T (p.Lys1465Ter)

Gene: FRAS1 (Fraser extracellular matrix complex subunit 1; plus strand). Cytogenetic location: 4q21.21.
Variant type: single nucleotide variant.
Coding change: c.4393A>T on transcript NM_025074.7 (MANE Select); coding-DNA position 4393, A replaced by T.
Protein change: p.Lys1465Ter; replaces lysine 1465 with a stop codon.
Molecular consequence: nonsense.
Genome position (GRCh38, 1-based): chr4:78,413,053, A>T. VCF-style: chr4-78413053-A-T. GRCh37 (hg19) VCF-style: chr4-79334207-A-T.
Other names: c.4393A>T, p.Lys1465Ter (NM_001166133.2); short protein forms K1465*.
Identifiers: ClinVar variation 2843373 (VCV002843373.3), dbSNP rs1241745371, ClinGen allele CA357378924.